The following is an entry in ClinVar:

ClinVar aggregate classification (germline): Conflicting classifications of pathogenicity. Review status: criteria provided, conflicting classifications (1 of 4 stars). 4 submissions from 4 submitters: Uncertain significance (2); Likely benign (1). 1 of the submissions does not count toward it. Last evaluated 2026-08-10.

Conditions:
Pulmonary hypertension, neonatal, susceptibility to (PHN). Identifiers: MedGen C3714958, MONDO:0014151, OMIM 615371.
Congenital hyperammonemia, type I. Also called: Carbamoyl-phosphate synthase I deficiency; Carbamoyl phosphate synthetase I deficiency disease; CPS I DEFICIENCY; Carbamoyl phosphate synthetase 1 deficiency; Hyperammonemia due to carbamoyl phosphate synthetase 1 deficiency; CPS 1 deficiency. Identifiers: Orphanet 147, MedGen C4082171, MONDO:0009376, OMIM 237300.

Allele frequency attached by ClinVar (database versions not stated): gnomAD 0.00005 and 0.00006; TOPMed 0.00009; gnomAD exomes 0.00011; ExAC 0.00012; ESP Exome Variant Server 0.00015.
gnomAD v4.1: 93 of 1,612,244 alleles (0.0058%); highest among the groups gnomAD compares: Middle Eastern, 0.033%; no homozygotes.

Submissions (4):

Myriad Genetics, Inc.
Classification: Uncertain significance for Congenital hyperammonemia, type I. Last evaluated: 2026-08-10. Review status: criteria provided, single submitter. Criteria: Myriad Autosomal Dominant, Autosomal Recessive and X-Linked Classification Criteria (2023). Collection method: clinical testing. Allele origin: unknown.
Comment: NM_001875.4(CPS1):c.1627G>A(A543T) is a missense variant classified as a variant of uncertain significance in the context of carbamoylphosphate synthetase I deficiency. A543T has not been observed in cases with relevant disease. Relevant functional assessments of this variant are not available in the literature. A543T has been observed in referenced population frequency databases. In summary, there is insufficient evidence to classify NM_001875.4(CPS1):c.1627G>A(A543T) as pathogenic or benign. Please note: this variant was assessed in the context of healthy population screening.

Labcorp Genetics (formerly Invitae), Labcorp
Classification: Likely benign for Congenital hyperammonemia, type I. Last evaluated: 2026-01-26. Review status: criteria provided, single submitter. Criteria: Invitae Variant Classification Sherloc (09022015). Collection method: clinical testing. Allele origin: germline.

Fulgent Genetics
Classification: Uncertain significance for Congenital hyperammonemia, type I; Pulmonary hypertension, neonatal, susceptibility to. Last evaluated: 2021-07-11. Review status: criteria provided, single submitter. Criteria: ACMG Guidelines, 2015. Collection method: clinical testing. Allele origin: unknown.

Natera, Inc.
Classification: Uncertain significance for Carbamoyl-phosphate synthase I deficiency. Last evaluated: 2019-10-28. Review status: no assertion criteria provided. Collection method: clinical testing. Allele origin: germline. Not counted in ClinVar's aggregate classification.

NM_001875.5(CPS1):c.1627G>A (p.Ala543Thr)

Gene: CPS1 (carbamoyl-phosphate synthase 1; plus strand). Cytogenetic location: 2q34.
Variant type: single nucleotide variant.
Coding change: c.1627G>A on transcript NM_001875.5 (MANE Select); coding-DNA position 1627, G replaced by A.
Protein change: p.Ala543Thr; replaces alanine 543 with threonine.
Molecular consequence: missense variant. On other transcripts: non-coding transcript variant (2).
Genome position (GRCh38, 1-based): chr2:210,600,632, G>A. VCF-style: chr2-210600632-G-A. GRCh37 (hg19) VCF-style: chr2-211465356-G-A.
Other names: c.1627G>A (LRG_336t1); c.1627G>A, p.Ala543Thr (NM_001122633.3, NM_001369257.1); c.1660G>A, p.Ala554Thr (NM_001369256.1); short protein forms A543T, A554T.
Identifiers: ClinVar variation 576447 (VCV000576447.12), dbSNP rs142369181, ClinGen allele CA2086411.